The following is an entry in ClinVar:

ClinVar aggregate classification (germline): Uncertain significance (1 of 4 stars; one submission).

Conditions:
Tuberous sclerosis 2 (TSC2). Identifiers: Orphanet 805, MedGen C1860707, MONDO:0013199, OMIM 613254.

gnomAD v4.1: 1 of 1,612,758 alleles (0.000062%); highest among the groups gnomAD compares: East Asian, 0.0022%; no homozygotes.

Submission:

Labcorp Genetics (formerly Invitae), Labcorp
Classification: Uncertain significance for Tuberous sclerosis 2. Last evaluated: 2022-01-28. Review status: criteria provided, single submitter. Criteria: Invitae Variant Classification Sherloc (09022015). Collection method: clinical testing. Allele origin: germline.
Comment: Advanced modeling of protein sequence and biophysical properties (such as structural, functional, and spatial information, amino acid conservation, physicochemical variation, residue mobility, and thermodynamic stability) performed at Invitae indicates that this missense variant is not expected to disrupt TSC2 protein function. ClinVar contains an entry for this variant (Variation ID: 951509). In summary, the available evidence is currently insufficient to determine the role of this variant in disease. Therefore, it has been classified as a Variant of Uncertain Significance. This variant has not been reported in the literature in individuals affected with TSC2-related conditions. This variant is not present in population databases (gnomAD no frequency). This sequence change replaces alanine, which is neutral and non-polar, with proline, which is neutral and non-polar, at codon 1759 of the TSC2 protein (p.Ala1759Pro).

NM_000548.5(TSC2):c.5275G>C (p.Ala1759Pro)

Gene: TSC2 (TSC complex subunit 2; plus strand). Cytogenetic location: 16p13.3.
Variant type: single nucleotide variant.
Coding change: c.5275G>C on transcript NM_000548.5 (MANE Select); coding-DNA position 5275, G replaced by C.
Protein change: p.Ala1759Pro; replaces alanine 1759 with proline.
Molecular consequence: missense variant.
Genome position (GRCh38, 1-based): chr16:2,088,461, G>C. VCF-style: chr16-2088461-G-C. GRCh37 (hg19) VCF-style: chr16-2138462-G-C.
Other names: c.5074G>C, p.Ala1692Pro (NM_001077183.3); c.5206G>C, p.Ala1736Pro (NM_001114382.3); c.4966G>C, p.Ala1656Pro (NM_001318827.2); c.4930G>C, p.Ala1644Pro (NM_001318829.2); c.4543G>C, p.Ala1515Pro (NM_001318831.2); c.5107G>C, p.Ala1703Pro (NM_001318832.2); c.5077G>C, p.Ala1693Pro (NM_001363528.2); c.5143G>C, p.Ala1715Pro (NM_001370404.1); and 2 more; short protein forms A1656P, A1712P, A1715P, A1716P, A1515P, A1644P, A1693P, A1703P.
Identifiers: ClinVar variation 951509 (VCV000951509.9), dbSNP rs758450326, ClinGen allele CA394315146.
Genomic context (GRCh38, chr16:2,088,461, plus strand): 5'-TGCCACGCCTCCCAGACTTACTGCCCAAGCCGCCTCTGCCTTCAGATCTGCGAGGAAGCC[G>C]CCTACTCCAACCCCAGCCTACCTCTGGTGCACCCTCCGTCCCATAGCAAAGCCCCTGCAC-3'
Protein context (NP_000539.2, residues 1749-1769): RLRQRICEEA[Ala1759Pro]YSNPSLPLVH